The following is an entry in ClinVar:

NM_000535.7(PMS2):c.3G>C (p.Met1Ile)

Gene: PMS2 (PMS1 homolog 2, mismatch repair system component; minus strand). Cytogenetic location: 7p22.1.
Variant type: single nucleotide variant.
Coding change: c.3G>C on transcript NM_000535.7 (MANE Select); coding-DNA position 3, G replaced by C.
Protein change: p.Met1Ile; changes the start codon (methionine 1).
Molecular consequence: missense variant, initiator codon variant. On other transcripts: 5 prime UTR variant (11), non-coding transcript variant (1).
Genome position (GRCh38, 1-based): chr7:6,009,017, C>G on the plus strand (G>C on the coding strand, the complement: PMS2 is on the minus strand). VCF-style: chr7-6009017-C-G. GRCh37 (hg19) VCF-style: chr7-6048648-C-G.
Other names: c.-398G>C (NM_001322003.2, NM_001322013.2); c.-263G>C (NM_001322004.2, NM_001322010.2); c.-593G>C (NM_001322005.2); c.3G>C, p.Met1Ile (NM_001322006.2, NM_001322014.2); c.-213G>C (NM_001322007.2); c.-73G>C (NM_001322008.2); c.-588G>C (NM_001322009.2); c.-882G>C (NM_001322011.2); and 2 more; short protein forms M1I.
Identifiers: ClinVar variation 957082 (VCV000957082.11), dbSNP rs1554309086, ClinGen allele CA366745250.
Genomic context (GRCh38, chr7:6,009,017, plus strand): 5'-GCGCGAGAGGGGACACCGGAAGACTGCGAGCCCCGCTCACCTCGAGCTCTCAGCTCGCTC[C>G]ATGGATGCAACACCCGATCCGCCTCGGGGACTGGGAAAGTTCCCTCCAGGGCTCCCACAG-3'
Protein context (NP_000526.2, residues 1-11): [Met1Ile]ERAESSSTEP

ClinVar aggregate classification (germline): Pathogenic. Review status: criteria provided, multiple submitters, no conflicts (2 of 4 stars). 2 submissions from 2 submitters: Pathogenic (2). Last evaluated 2024-01-18.

Conditions:
Hereditary nonpolyposis colorectal neoplasms. Identifiers: MedGen C0009405, MeSH D003123.

Submissions (2):

Labcorp Genetics (formerly Invitae), Labcorp
Classification: Pathogenic for Hereditary nonpolyposis colorectal neoplasms. Last evaluated: 2024-01-18. Review status: criteria provided, single submitter. Criteria: Invitae Variant Classification Sherloc (09022015). Collection method: clinical testing. Allele origin: germline.
Comment: This sequence change affects the initiator methionine of the PMS2 mRNA. The next in-frame methionine is located at codon 136. This variant is not present in population databases (gnomAD no frequency). Disruption of the initiator codon has been observed in individual(s) with constitutional mismatch repair deficiency syndrome (PMID: 18602922, 20487569, 23709753, 27476653). In at least one individual the data is consistent with being in trans (on the opposite chromosome) from a pathogenic variant. ClinVar contains an entry for this variant (Variation ID: 957082). For these reasons, this variant has been classified as Pathogenic.

Quest Diagnostics Nichols Institute San Juan Capistrano
Classification: Pathogenic. Last evaluated: 2020-07-23. Review status: criteria provided, single submitter. Criteria: Quest Diagnostics criteria. Collection method: clinical testing. Allele origin: unknown.
Comment: The variant disrupts the natural start codon, and is therefore predicted to result in the loss of a functional protein. Found in at least one patient with expected phenotype for this gene, and not found in general population data.

Literature cited by the submitters: PubMed 18602922 (cited by Labcorp Genetics (formerly Invitae), Labcorp); PubMed 20487569 (cited by Labcorp Genetics (formerly Invitae), Labcorp); PubMed 23709753 (cited by Labcorp Genetics (formerly Invitae), Labcorp); PubMed 27476653 (cited by Labcorp Genetics (formerly Invitae), Labcorp).